The following is an entry in ClinVar:

NM_005996.4(TBX3):c.283C>T (p.Pro95Ser)

Genes: TBX3 (T-box transcription factor 3; minus strand), TBX3-AS1 (TBX3 antisense RNA 1; plus strand). Cytogenetic location: 12q24.21.
Variant type: single nucleotide variant.
Coding change: c.283C>T on transcript NM_005996.4 (MANE Select); coding-DNA position 283, C replaced by T.
Protein change: p.Pro95Ser; replaces proline 95 with serine.
Molecular consequence: missense variant.
Genome position (GRCh38, 1-based): chr12:114,682,918, G>A on the plus strand (C>T on the coding strand, the complement: TBX3 is on the minus strand). VCF-style: chr12-114682918-G-A. GRCh37 (hg19) VCF-style: chr12-115120723-G-A.
Other names: c.283C>T, p.Pro95Ser (NM_016569.4); c.283C>T (NM_016569.3); short protein forms P95S.
Identifiers: ClinVar variation 2335966 (VCV002335966.6), dbSNP rs143885412, ClinGen allele CA6810230.

ClinVar aggregate classification (germline): Uncertain significance. Review status: criteria provided, multiple submitters, no conflicts (2 of 4 stars). 3 submissions from 3 submitters: Uncertain significance (3). Last evaluated 2026-09-17.

Conditions:
TBX3-related disorder. Also called: TBX3-related condition.
Ulnar-mammary syndrome (UMS). Also called: SCHINZEL SYNDROME; Ulnar-mammary syndrome of Pallister; PALLISTER ULNAR-MAMMARY SYNDROME. Identifiers: Orphanet 3138, MedGen C1866994, MONDO:0008411, OMIM 181450.
Inborn genetic diseases. Identifiers: MedGen C0950123, MeSH D030342.

Allele frequency attached by ClinVar (database versions not stated): gnomAD 0.00001; ExAC 0.00002; TOPMed 0.00002; ESP Exome Variant Server 0.00008.
gnomAD v4.1: 26 of 1,614,056 alleles (0.0016%); highest among the groups gnomAD compares: Non-Finnish European, 0.0021%; no homozygotes.

Submissions (3):

PreventionGenetics, part of Exact Sciences
Classification: Uncertain significance for TBX3-related condition. Last evaluated: 2026-09-17. Review status: criteria provided, single submitter. Criteria: ACMG Guidelines, 2015. Collection method: clinical testing. Allele origin: germline.
Comment: The TBX3 c.283C>T variant is predicted to result in the amino acid substitution p.Pro95Ser. To our knowledge, this variant has not been reported in the literature. This variant is reported in 0.0026% of alleles in individuals of European (Non-Finnish) descent in gnomAD. At this time, the clinical significance of this variant is uncertain due to the absence of conclusive functional and genetic evidence.

Labcorp Genetics (formerly Invitae), Labcorp
Classification: Uncertain significance for Ulnar-mammary syndrome. Last evaluated: 2024-10-24. Review status: criteria provided, single submitter. Criteria: Invitae Variant Classification Sherloc (09022015). Collection method: clinical testing. Allele origin: germline.
Comment: This sequence change replaces proline, which is neutral and non-polar, with serine, which is neutral and polar, at codon 95 of the TBX3 protein (p.Pro95Ser). This variant is present in population databases (rs143885412, gnomAD 0.003%). This variant has not been reported in the literature in individuals affected with TBX3-related conditions. ClinVar contains an entry for this variant (Variation ID: 2335966). An algorithm developed to predict the effect of missense changes on protein structure and function (PolyPhen-2) suggests that this variant is likely to be disruptive. In summary, the available evidence is currently insufficient to determine the role of this variant in disease. Therefore, it has been classified as a Variant of Uncertain Significance.

Ambry Genetics
Classification: Uncertain significance for Inborn genetic diseases. Last evaluated: 2022-12-15. Review status: criteria provided, single submitter. Criteria: Ambry Variant Classification Scheme 2023. Collection method: clinical testing. Allele origin: germline.